The following is an entry in ClinVar:

ClinVar aggregate classification (germline): Uncertain significance (1 of 4 stars; one submission).

gnomAD v4.1: 1 of 1,613,536 alleles (0.000062%); highest among the groups gnomAD compares: Non-Finnish European, 0.000085%; no homozygotes.

Submission:

GeneDx
Classification: Uncertain significance. Last evaluated: 2025-05-12. Review status: criteria provided, single submitter. Criteria: GeneDx Variant Classification Process June 2021. Collection method: clinical testing. Allele origin: germline. Affected: yes.
Comment: Not observed at significant frequency in large population cohorts (gnomAD); In silico analysis supports that this missense variant has a deleterious effect on protein structure/function; Has not been previously published as pathogenic or benign to our knowledge

NM_020180.4(CELF4):c.998C>T (p.Pro333Leu)

Gene: CELF4 (CUGBP Elav-like family member 4; minus strand). Cytogenetic location: 18q12.2.
Variant type: single nucleotide variant.
Coding change: c.998C>T on transcript NM_020180.4 (MANE Select); coding-DNA position 998, C replaced by T.
Protein change: p.Pro333Leu; replaces proline 333 with leucine.
Molecular consequence: missense variant. On other transcripts: non-coding transcript variant (11).
Genome position (GRCh38, 1-based): chr18:37,270,869, G>A on the plus strand (C>T on the coding strand, the complement: CELF4 is on the minus strand). VCF-style: chr18-37270869-G-A. GRCh37 (hg19) VCF-style: chr18-34850832-G-A.
Other names: c.995C>T, p.Pro332Leu (NM_001025087.2, NM_001330603.2, NM_001353696.2 and 12 more transcripts); c.992C>T, p.Pro331Leu (NM_001025088.2, NM_001353702.2, NM_001353712.2 and 2 more transcripts); c.968C>T, p.Pro323Leu (NM_001025089.2, NM_001353700.2, NM_001353703.2 and 6 more transcripts); c.965C>T, p.Pro322Leu (NM_001353695.2, NM_001353697.2, NM_001353699.2 and 14 more transcripts); c.962C>T, p.Pro321Leu (NM_001353705.2, NM_001353706.2, NM_001353711.2 and 5 more transcripts); c.998C>T, p.Pro333Leu (NM_001353708.2, NM_001353731.2, NM_001353724.2 and 6 more transcripts); c.626C>T, p.Pro209Leu (NM_001353756.2, NM_001353761.2); c.599C>T, p.Pro200Leu (NM_001353757.2, NM_001353760.2); and 1 more; short protein forms P199L, P200L, P209L, P321L, P322L, P323L, P331L, P332L.
Identifiers: ClinVar variation 4529834 (VCV004529834.1).